The following is an entry in ClinVar:

NM_194277.3(FRMD7):c.1050+1G>C

Gene: FRMD7 (FERM domain containing 7; minus strand). Cytogenetic location: Xq26.2.
Variant type: single nucleotide variant.
Coding change: c.1050+1G>C on transcript NM_194277.3 (MANE Select); the canonical splice donor site of the intron after coding-DNA position 1050, G replaced by C.
Molecular consequence: splice donor variant.
Genome position (GRCh38, 1-based): chrX:132,080,005, C>G on the plus strand (G>C on the coding strand, the complement: FRMD7 is on the minus strand). VCF-style: chrX-132080005-C-G. GRCh37 (hg19) VCF-style: chrX-131214033-C-G.
Other names: c.1005+1G>C (NM_001306193.2).
Identifiers: ClinVar variation 976097 (VCV000976097.1), dbSNP rs1927753913, ClinGen allele CA414679957.
Genomic context (GRCh38, chrX:132,080,005, plus strand): 5'-GCATTTGAAATTTGCACAAATTACATTTATCTAAAGAAGTAGAAATTTTCAGAAACCTTA[C>G]TTGTTTTGACACATCAGAGAGGAGGTCTGGTGAGGACCTGCACTGTCGTTCATGGTACTG-3'

ClinVar aggregate classification (germline): Likely pathogenic (1 of 4 stars; one submission).

Conditions:
Nystagmus 1, congenital, X-linked. Also called: NYSTAGMUS, INFANTILE PERIODIC ALTERNATING, X-LINKED; NYSTAGMUS, INFANTILE IDIOPATHIC; FRMD7-Related Infantile Nystagmus; NYSTAGMUS 1, INFANTILE, X-LINKED; NYSTAGMUS, CONGENITAL MOTOR, 1. Identifiers: MedGen C1839580, MONDO:0010693, OMIM 310700.

Submission:

Institute of Human Genetics, University of Leipzig Medical Center
Classification: Likely pathogenic for Nystagmus 1, congenital, X-linked. Last evaluated: 2017-12-18. Review status: criteria provided, single submitter. Criteria: ACMG Guidelines, 2015. Collection method: clinical testing. Allele origin: germline. Affected: yes. Observed: 1 variant allele.
Comment: This variant was identified as hemizygous